The following is an entry in ClinVar:

NM_000878.5(IL2RB):c.59C>T (p.Ala20Val)

Gene: IL2RB (interleukin 2 receptor subunit beta; minus strand). Cytogenetic location: 22q12.3.
Variant type: single nucleotide variant.
Coding change: c.59C>T on transcript NM_000878.5 (MANE Select); coding-DNA position 59, C replaced by T.
Protein change: p.Ala20Val; replaces alanine 20 with valine.
Molecular consequence: missense variant.
Genome position (GRCh38, 1-based): chr22:37,144,114, G>A on the plus strand (C>T on the coding strand, the complement: IL2RB is on the minus strand). VCF-style: chr22-37144114-G-A. GRCh37 (hg19) VCF-style: chr22-37540154-G-A.
Other names: c.59C>T, p.Ala20Val (NM_001346222.1, NM_001346223.2); short protein forms A20V.
Identifiers: ClinVar variation 1365087 (VCV001365087.6), dbSNP rs538970680, ClinGen allele CA10216776.

ClinVar aggregate classification (germline): Uncertain significance (1 of 4 stars; one submission).

Allele frequency attached by ClinVar (database versions not stated): 1000 Genomes Project 30x 0.00016; 1000 Genomes Project 0.00020; gnomAD exomes 0.00002 and 0.00004; ExAC 0.00014; TOPMed 0.00023; gnomAD 0.00025 and 0.00026.
gnomAD v4.1: 65 of 1,552,520 alleles (0.0042%); highest among the groups gnomAD compares: African/African-American, 0.083%; no homozygotes.

Submission:

Labcorp Genetics (formerly Invitae), Labcorp
Classification: Uncertain significance. Last evaluated: 2025-01-20. Review status: criteria provided, single submitter. Criteria: Invitae Variant Classification Sherloc (09022015). Collection method: clinical testing. Allele origin: germline.
Comment: This sequence change replaces alanine, which is neutral and non-polar, with valine, which is neutral and non-polar, at codon 20 of the IL2RB protein (p.Ala20Val). This variant is present in population databases (rs538970680, gnomAD 0.06%). This variant has not been reported in the literature in individuals affected with IL2RB-related conditions. ClinVar contains an entry for this variant (Variation ID: 1365087). An algorithm developed to predict the effect of missense changes on protein structure and function outputs the following: PolyPhen-2: "Benign". The valine amino acid residue is found in multiple mammalian species, which suggests that this missense change does not adversely affect protein function. In summary, the available evidence is currently insufficient to determine the role of this variant in disease. Therefore, it has been classified as a Variant of Uncertain Significance.